The following is an entry in ClinVar:

ClinVar aggregate classification (germline): Uncertain significance (1 of 4 stars; one submission).

Conditions:
Charcot-Marie-Tooth disease dominant intermediate B (CMTDIB). Also called: CHARCOT-MARIE-TOOTH NEUROPATHY, DOMINANT INTERMEDIATE B; Charcot-Marie-Tooth disease dominant intermediate 1; CMT DI1; Charcot-Marie-Tooth disease dominant intermediate I. Identifiers: Orphanet 100044, Orphanet 228179, MedGen C1847902, MONDO:0011674, OMIM 606482.

Allele frequency attached by ClinVar (database versions not stated): gnomAD exomes 0.00001.
gnomAD v4.1: 8 of 1,607,554 alleles (0.0005%); highest among the groups gnomAD compares: East Asian, 0.016%; no homozygotes.

Submission:

Labcorp Genetics (formerly Invitae), Labcorp
Classification: Uncertain significance for Charcot-Marie-Tooth disease dominant intermediate B. Last evaluated: 2023-03-03. Review status: criteria provided, single submitter. Criteria: Invitae Variant Classification Sherloc (09022015). Collection method: clinical testing. Allele origin: germline.
Comment: This variant has not been reported in the literature in individuals affected with DNM2-related conditions. In summary, the available evidence is currently insufficient to determine the role of this variant in disease. Therefore, it has been classified as a Variant of Uncertain Significance. Advanced modeling of protein sequence and biophysical properties (such as structural, functional, and spatial information, amino acid conservation, physicochemical variation, residue mobility, and thermodynamic stability) has been performed at Invitae for this missense variant, however the output from this modeling did not meet the statistical confidence thresholds required to predict the impact of this variant on DNM2 protein function. This variant is present in population databases (no rsID available, gnomAD 0.01%). This sequence change replaces aspartic acid, which is acidic and polar, with asparagine, which is neutral and polar, at codon 555 of the DNM2 protein (p.Asp555Asn).

NM_001005361.3(DNM2):c.1663G>A (p.Asp555Asn)

Gene: DNM2 (dynamin 2; plus strand). Cytogenetic location: 19p13.2.
Variant type: single nucleotide variant.
Coding change: c.1663G>A on transcript NM_001005361.3 (MANE Select); coding-DNA position 1663, G replaced by A.
Protein change: p.Asp555Asn; replaces aspartic acid 555 with asparagine.
Molecular consequence: missense variant.
Genome position (GRCh38, 1-based): chr19:10,812,369, G>A. VCF-style: chr19-10812369-G-A. GRCh37 (hg19) VCF-style: chr19-10923045-G-A.
Other names: c.1663G>A, p.Asp555Asn (NM_001005360.3, NM_001190716.2); c.1651G>A, p.Asp551Asn (NM_001005362.3, NM_004945.4); short protein forms D551N, D555N.
Identifiers: ClinVar variation 2715199 (VCV002715199.3), dbSNP rs891397477, ClinGen allele CA305251445.
Genomic context (GRCh38, chr19:10,812,369, plus strand): 5'-AAAGGCGGCTCCAAGGAGTACTGGTTTGTGCTGACTGCCGAGTCACTGTCCTGGTACAAG[G>A]ATGAGGAGGTGAGTGGCAGGCGGGAGCAGGGCTGCTGGGGTAGGTGGGGCAGCCAGGGAA-3'
Protein context (NP_001005361.1, residues 545-565): LTAESLSWYK[Asp555Asn]EEEKEKKYML